The following is an entry in ClinVar:

NM_016507.4(CDK12):c.2518A>G (p.Met840Val)

Gene: CDK12 (cyclin dependent kinase 12; plus strand). Cytogenetic location: 17q12.
Variant type: single nucleotide variant.
Coding change: c.2518A>G on transcript NM_016507.4 (MANE Select); coding-DNA position 2518, A replaced by G.
Protein change: p.Met840Val; replaces methionine 840 with valine.
Molecular consequence: missense variant.
Genome position (GRCh38, 1-based): chr17:39,501,348, A>G. VCF-style: chr17-39501348-A-G. GRCh37 (hg19) VCF-style: chr17-37657601-A-G.
Other names: c.2518A>G, p.Met840Val (NM_015083.4); short protein forms M840V.
Identifiers: ClinVar variation 4651496 (VCV004651496.1).

ClinVar aggregate classification (germline): Uncertain significance (1 of 4 stars; one submission).

Submission:

Ambry Genetics
Classification: Uncertain significance. Last evaluated: 2025-12-12. Review status: criteria provided, single submitter. Criteria: Ambry Variant Classification Scheme 2023. Collection method: clinical testing. Allele origin: germline.
Comment: The p.M840V variant (also known as c.2518A>G), located in coding exon 6 of the CDK12 gene, results from an A to G substitution at nucleotide position 2518. The methionine at codon 840 is replaced by valine, an amino acid with highly similar properties. This amino acid position is conserved. In addition, the in silico prediction for this alteration is inconclusive. Based on the available evidence, the clinical significance of this variant remains unclear.